The following is an entry in ClinVar:

ClinVar aggregate classification (germline): Likely pathogenic. Review status: criteria provided, multiple submitters, no conflicts (2 of 4 stars). 2 submissions from 2 submitters: Likely pathogenic (2). Last evaluated 2025-11-06.

Conditions:
Fanconi anemia complementation group A (FANCA). Also called: FANCA-Related Fanconi Anemia; Fanconi anemia, group A. Identifiers: Orphanet 84, MedGen C3469521, MONDO:0009215, OMIM 227650.
Fanconi anemia (FA). Also called: Fanconi's anemia. Identifiers: Orphanet 84, MedGen C0015625, MeSH D005199, MONDO:0019391.

Submissions (2):

Natera, Inc.
Classification: Likely pathogenic for Fanconi anemia. Last evaluated: 2025-11-06. Review status: criteria provided, single submitter. Criteria: Natera Variant Classification Schema (03/2026). Collection method: clinical testing. Allele origin: germline.
Comment: The c.351del variant in FANCA is a frameshift variant predicted to shift the reading frame beginning at codon 118 and leads to a stop codon 20 codons downstream. This variant is expected to result in nonsense mediated decay, truncation, or a dysfunctional protein product. This variant is rare in the general population with a frequency below the threshold expected for the associated phenotype(s). Given the available evidence, this variant is classified as Likely Pathogenic.

Fulgent Genetics
Classification: Likely pathogenic for Fanconi anemia complementation group A. Last evaluated: 2024-03-24. Review status: criteria provided, single submitter. Criteria: ACMG Guidelines, 2015. Collection method: clinical testing. Allele origin: germline.

NM_000135.4(FANCA):c.351del (p.Ala118fs)

Gene: FANCA (FA complementation group A; minus strand). Cytogenetic location: 16q24.3.
Variant type: Deletion.
Coding change: c.351del on transcript NM_000135.4 (MANE Select); coding-DNA position 351, one base deleted (T; older notation c.351delT).
Protein change: p.Ala118fs; shifts the reading frame from alanine 118.
Molecular consequence: frameshift variant.
Genome position (GRCh38, 1-based): chr16:89,811,004, A deleted on the plus strand (T on the coding strand, the reverse complement: FANCA is on the minus strand); the first of 2 consecutive A bases (chr16:89,811,004-89,811,005); deleting either gives the same sequence. VCF-style (leftmost placement, unchanged base first): chr16-89811003-CA-C. GRCh37 (hg19) VCF-style: chr16-89877411-CA-C.
Other names: c.351del (NM_000135.3); c.351del, p.Ala118fs (NM_001018112.3, NM_001286167.3, NM_001351830.2); short protein forms A118fs.
Identifiers: ClinVar variation 3581581 (VCV003581581.2).